The following is an entry in ClinVar:

ClinVar aggregate classification (germline): Uncertain significance (1 of 4 stars; one submission).

Conditions:
Singleton-Merten syndrome 1 (SGMRT1). Also called: Widened medullary cavities of bone, aortic calcification, abnormal dentition, and muscular weakness; Syndrome of widened medullary cavities of the metacarpals and phalanges, aortic calcification and abnormal dentition. Identifiers: Orphanet 85191, MedGen C4225427, MONDO:0024535, OMIM 182250.
Aicardi-Goutieres syndrome 7 (AGS7). Identifiers: Orphanet 51, MedGen C3888244, MONDO:0014367, OMIM 615846.

Submission:

Labcorp Genetics (formerly Invitae), Labcorp
Classification: Uncertain significance for Aicardi-Goutieres syndrome 7; Singleton-Merten syndrome 1. Last evaluated: 2022-10-25. Review status: criteria provided, single submitter. Criteria: Invitae Variant Classification Sherloc (09022015). Collection method: clinical testing. Allele origin: germline.
Comment: In summary, the available evidence is currently insufficient to determine the role of this variant in disease. Therefore, it has been classified as a Variant of Uncertain Significance. Variants that disrupt the consensus splice site are a relatively common cause of aberrant splicing (PMID: 17576681, 9536098). Algorithms developed to predict the effect of sequence changes on RNA splicing suggest that this variant is not likely to affect RNA splicing. This variant has not been reported in the literature in individuals affected with IFIH1-related conditions. This variant is not present in population databases (gnomAD no frequency). This sequence change falls in intron 5 of the IFIH1 gene. It does not directly change the encoded amino acid sequence of the IFIH1 protein. It affects a nucleotide within the consensus splice site.

Literature cited by the submitters: PubMed 17576681; PubMed 9536098.

NM_022168.4(IFIH1):c.1095+4T>C

Gene: IFIH1 (interferon induced with helicase C domain 1; minus strand). Cytogenetic location: 2q24.2.
Variant type: single nucleotide variant.
Coding change: c.1095+4T>C on transcript NM_022168.4 (MANE Select); 4 bases into the intron after coding-DNA position 1095, T replaced by C.
Molecular consequence: intron variant.
Genome position (GRCh38, 1-based): chr2:162,288,131, A>G on the plus strand (T>C on the coding strand, the complement: IFIH1 is on the minus strand). VCF-style: chr2-162288131-A-G. GRCh37 (hg19) VCF-style: chr2-163144641-A-G.
Identifiers: ClinVar variation 2131293 (VCV002131293.4), dbSNP rs1682928907, ClinGen allele CA2580064173.